The following is an entry in ClinVar:

ClinVar aggregate classification (germline): Pathogenic (1 of 4 stars; one submission).

Conditions:
Episodic kinesigenic dyskinesia (EKD). Also called: Paroxysmal kinesigenic dyskinesia. Identifiers: Orphanet 98809, MedGen C1868682, MONDO:0044202.

Submission:

Labcorp Genetics (formerly Invitae), Labcorp
Classification: Pathogenic for Episodic kinesigenic dyskinesia. Last evaluated: 2022-03-31. Review status: criteria provided, single submitter. Criteria: Invitae Variant Classification Sherloc (09022015). Collection method: clinical testing. Allele origin: germline.
Comment: This variant is a gross deletion of the genomic region encompassing exon(s) 3-4 of the PRRT2 gene, which includes the termination codon. This deletion extends beyond the assayed region for this gene and therefore may encompass additional genes. While this deletion is not anticipated to lead to nonsense mediated decay, it is expected to alter mRNA translation or result in a truncated protein product. This variant has not been reported in the literature in individuals affected with PRRT2-related conditions. This variant disrupts a region of the PRRT2 protein in which other variant(s) (p.Gly324Glu) have been determined to be pathogenic (PMID: 23077026, 30980674). This suggests that this is a clinically significant region of the protein, and that variants that disrupt it are likely to be disease-causing. For these reasons, this variant has been classified as Pathogenic.

Literature cited by the submitters: PubMed 23077026; PubMed 30980674.

NC_000016.9:g.(?_29825262)_(29830230_?)del

Genes: PAGR1 (PAXIP1 associated glutamate rich protein 1; plus strand), PRRT2 (proline rich transmembrane protein 2; plus strand). Cytogenetic location: 16p11.2.
Variant type: Deletion.
Identifiers: ClinVar variation 2427335 (VCV002427335.2).